The following is an entry in ClinVar:

NM_000179.3(MSH6):c.944C>G (p.Ser315Cys)

Gene: MSH6 (mutS homolog 6; plus strand). Cytogenetic location: 2p16.3.
Variant type: single nucleotide variant.
Coding change: c.944C>G on transcript NM_000179.3 (MANE Select); coding-DNA position 944, C replaced by G.
Protein change: p.Ser315Cys; replaces serine 315 with cysteine.
Molecular consequence: missense variant.
Genome position (GRCh38, 1-based): chr2:47,798,927, C>G. VCF-style: chr2-47798927-C-G. GRCh37 (hg19) VCF-style: chr2-48026066-C-G.
Other names: c.554C>G, p.Ser185Cys (NM_001281492.2); c.38C>G, p.Ser13Cys (NM_001281493.2, NM_001281494.2); short protein forms S315C, S185C, S13C.
Identifiers: ClinVar variation 479920 (VCV000479920.23), dbSNP rs63750491, ClinGen allele CA073607.

ClinVar aggregate classification (germline): Conflicting classifications of pathogenicity. Review status: criteria provided, conflicting classifications (1 of 4 stars). 7 submissions from 7 submitters: Uncertain significance (6); Benign (1). Last evaluated 2026-03-11.

Conditions:
MSH6-related disorder. Also called: MSH6-related condition; MSH6-Related disorders.
Hereditary nonpolyposis colorectal neoplasms. Identifiers: MedGen C0009405, MeSH D003123.
Hereditary cancer-predisposing syndrome. Also called: Neoplastic Syndromes, Hereditary; Hereditary Cancer Syndrome; Tumor predisposition; Hereditary neoplastic syndrome. Identifiers: Orphanet 140162, MedGen C0027672, MeSH D009386, MONDO:0015356.
Lynch syndrome. Identifiers: Orphanet 144, MedGen C4552100, MONDO:0005835. Disease mechanism: loss of function.

Allele frequency attached by ClinVar (database versions not stated): gnomAD exomes 0.00001; ExAC 0.00002.
gnomAD v4.1: 1 of 1,613,986 alleles (0.000062%); highest among the groups gnomAD compares: Admixed American, 0.0017%; no homozygotes.

Submissions (7):

PreventionGenetics, part of Exact Sciences
Classification: Uncertain significance for MSH6-related condition. Last evaluated: 2026-03-11. Review status: criteria provided, single submitter. Criteria: ACMG Guidelines, 2015. Collection method: clinical testing. Allele origin: germline.
Comment: The MSH6 c.944C>G variant is predicted to result in the amino acid substitution p.Ser315Cys. To our knowledge, this variant has not been reported in the literature. This variant is reported in 0.011% of alleles in individuals of East Asian descent in gnomAD and has conflicting interpretations regarding its pathogenicity in ClinVar, ranging from likely benign to uncertain (Variation ID: 479920). At this time, the clinical significance of this variant is uncertain due to the absence of conclusive functional and genetic evidence.

Labcorp Genetics (formerly Invitae), Labcorp
Classification: Benign for Hereditary nonpolyposis colorectal neoplasms. Last evaluated: 2026-01-05. Review status: criteria provided, single submitter. Criteria: Invitae Variant Classification Sherloc (09022015). Collection method: clinical testing. Allele origin: germline.

Color Diagnostics, LLC DBA Color Health
Classification: Uncertain significance for Hereditary cancer-predisposing syndrome. Last evaluated: 2025-09-18. Review status: criteria provided, single submitter. Criteria: ACMG Guidelines, 2015. Collection method: clinical testing. Allele origin: germline.
Comment: This missense variant replaces serine with cysteine at codon 315 of the MSH6 protein. Computational prediction suggests that this variant may not impact protein structure and function. To our knowledge, functional studies have not been reported for this variant. This variant has not been reported in individuals affected with MSH6-related disorders in the literature. This variant has been identified in 2/251292 chromosomes in the general population by the Genome Aggregation Database (gnomAD). The available evidence is insufficient to determine the role of this variant in disease conclusively. Therefore, this variant is classified as a Variant of Uncertain Significance.

Ambry Genetics
Classification: Uncertain significance for Hereditary cancer-predisposing syndrome. Last evaluated: 2024-08-28. Review status: criteria provided, single submitter. Criteria: Ambry Variant Classification Scheme 2023. Collection method: clinical testing. Allele origin: germline.

All of Us Research Program, National Institutes of Health
Classification: Uncertain significance for Lynch syndrome. Last evaluated: 2023-08-15. Review status: criteria provided, single submitter. Criteria: ACMG Guidelines, 2015. Collection method: clinical testing. Allele origin: germline. Inheritance: Autosomal dominant inheritance. Observed: 1 variant allele, 1 heterozygote.
Comment: This missense variant replaces serine with cysteine at codon 315 of the MSH6 protein. Computational prediction suggests that this variant may not impact protein structure and function (internally defined REVEL score threshold <= 0.5, PMID: 27666373). To our knowledge, functional studies have not been reported for this variant. This variant has not been reported in individuals affected with MSH6-related disorders in the literature. This variant has been identified in 2/251292 chromosomes in the general population by the Genome Aggregation Database (gnomAD). The available evidence is insufficient to determine the role of this variant in disease conclusively. Therefore, this variant is classified as a Variant of Uncertain Significance.

This study involves interpretation of variants in research participants for the purpose of population health screening. Participant phenotype was not available at the time of variant classification. Additional details can be found in publication PMID: 35346344, PMCID: PMC8962531

GeneDx
Classification: Uncertain significance. Last evaluated: 2023-02-21. Review status: criteria provided, single submitter. Criteria: GeneDx Variant Classification Process June 2021. Collection method: clinical testing. Allele origin: germline. Affected: yes.
Comment: Not observed at significant frequency in large population cohorts (gnomAD); In silico analysis supports that this missense variant does not alter protein structure/function; Observed in individuals with colorectal cancer (Yehia et al., 2018); This variant is associated with the following publications: (PMID: 29121415, 29684080)

Women's Health and Genetics/Laboratory Corporation of America, LabCorp
Classification: Uncertain significance. Last evaluated: 2017-03-27. Review status: criteria provided, single submitter. Criteria: LabCorp Variant Classification Summary - May 2015. Collection method: clinical testing. Allele origin: germline.
Comment: Variant summary: The MSH6 c.944C>G (p.Ser315Cys) variant involves the alteration of a non-conserved nucleotide, resulting in a missense substitution. The variant does not lie within a known functional domain (InterPro and UniProt) and 3/5 in silico tools predict a damaging outcome for this variant. 4/5 splice prediction tools predict no significant impact on normal splicing and ESE finder predicts that this variant does not affect ESE sites at the locus. However, these predictions have yet to be confirmed by functional studies. This variant was found in 3/121192 control chromosomes at a frequency of 0.0000248, which does not exceed the estimated maximal expected allele frequency of a pathogenic MSH6 variant (0.0001421). To our knowledge, the variant of interest has not been reported in affected individuals via publications and/or reputable databases/clinical diagnostic laboratories, nor has it been evaluated for functional impact by in vivo/vitro studies. Because of the absence of clinical information and the lack of functional studies, the variant is classified as a variant of uncertain significance (VUS) until additional information becomes available.